The following is an entry in ClinVar:

ClinVar aggregate classification (germline): Likely benign. Review status: criteria provided, multiple submitters, no conflicts (2 of 4 stars). 2 submissions from 2 submitters: Likely benign (2). Last evaluated 2023-03-07.

Conditions:
Dilated cardiomyopathy 1G (CMD1G). Identifiers: Orphanet 154, MedGen C1858763, MONDO:0011400, OMIM 604145.
Autosomal recessive limb-girdle muscular dystrophy type 2J (LGMDR10). Also called: Limb-girdle muscular dystrophy, type 2J; MUSCULAR DYSTROPHY, LIMB-GIRDLE, AUTOSOMAL RECESSIVE 10. Identifiers: Orphanet 140922, MedGen C1837342, MONDO:0012127, OMIM 608807.

Allele frequency attached by ClinVar (database versions not stated): gnomAD exomes below 0.00001; gnomAD 0.00001; ExAC 0.00002.
gnomAD v4.1: 4 of 1,613,534 alleles (0.00025%); highest among the groups gnomAD compares: Non-Finnish European, 0.00025%; no homozygotes.

Submissions (2):

Labcorp Genetics (formerly Invitae), Labcorp
Classification: Likely benign for Dilated cardiomyopathy 1G; Autosomal recessive limb-girdle muscular dystrophy type 2J. Last evaluated: 2023-03-07. Review status: criteria provided, single submitter. Criteria: Invitae Variant Classification Sherloc (09022015). Collection method: clinical testing. Allele origin: germline.

Laboratory for Molecular Medicine, Mass General Brigham Personalized Medicine
Classification: Likely benign. Last evaluated: 2013-04-05. Review status: criteria provided, single submitter. Criteria: LMM Criteria. Collection method: clinical testing. Allele origin: germline. Observed: 1 variant allele.
Comment: Glu23806Glu in exon 275 of TTN: This variant is not expected to have clinical si gnificance because it does not alter an amino acid residue and is not located wi thin the splice consensus sequence. Glu23806Glu in exon 275 of TTN (allele freq uency = n/a)

NM_001267550.2(TTN):c.79122A>G (p.Glu26374=)

Genes: TTN (titin; minus strand), TTN-AS1 (TTN antisense RNA 1; plus strand). Cytogenetic location: 2q31.2.
Variant type: single nucleotide variant.
Coding change: c.79122A>G on transcript NM_001267550.2 (MANE Select); coding-DNA position 79122, A replaced by G.
Protein change: p.Glu26374=; no amino-acid change (glutamic acid 26374 retained).
Molecular consequence: synonymous variant.
Genome position (GRCh38, 1-based): chr2:178,567,010, T>C on the plus strand (A>G on the coding strand, the complement: TTN is on the minus strand). VCF-style: chr2-178567010-T-C. GRCh37 (hg19) VCF-style: chr2-179431737-T-C.
Other names: c.71418A>G, p.Glu23806= (NM_133378.4); c.74199A>G, p.Glu24733= (NM_001256850.1); c.51927A>G, p.Glu17309= (NM_003319.4); c.52302A>G, p.Glu17434= (NM_133432.3); c.52503A>G, p.Glu17501= (NM_133437.4).
Identifiers: ClinVar variation 178861 (VCV000178861.8), dbSNP rs727504497, ClinGen allele CA183177.